The following is an entry in ClinVar:

NM_004329.3(BMPR1A):c.10C>T (p.Leu4=)

Gene: BMPR1A (bone morphogenetic protein receptor type 1A; plus strand). Cytogenetic location: 10q23.2.
Variant type: single nucleotide variant.
Coding change: c.10C>T on transcript NM_004329.3 (MANE Select); coding-DNA position 10, C replaced by T.
Protein change: p.Leu4=; no amino-acid change (leucine 4 retained).
Molecular consequence: synonymous variant.
Genome position (GRCh38, 1-based): chr10:86,876,028, C>T. VCF-style: chr10-86876028-C-T. GRCh37 (hg19) VCF-style: chr10-88635785-C-T.
Identifiers: ClinVar variation 1156310 (VCV001156310.12), dbSNP rs2133321068, ClinGen allele CA470365238.

ClinVar aggregate classification (germline): Benign/Likely benign. Review status: criteria provided, multiple submitters, no conflicts (2 of 4 stars). 4 submissions from 4 submitters: Benign (1); Likely benign (3). Last evaluated 2025-12-08.

Conditions:
Juvenile polyposis syndrome (JPS). Identifiers: Orphanet 2929, MedGen C0345893, MONDO:0017380, OMIM 174900.
Hereditary cancer-predisposing syndrome. Also called: Neoplastic Syndromes, Hereditary; Hereditary Cancer Syndrome; Hereditary neoplastic syndrome; Tumor predisposition. Identifiers: Orphanet 140162, MedGen C0027672, MeSH D009386, MONDO:0015356.

Submissions (4):

Color Diagnostics, LLC DBA Color Health
Classification: Likely benign for Hereditary cancer-predisposing syndrome. Last evaluated: 2025-12-08. Review status: criteria provided, single submitter. Criteria: ACMG Guidelines, 2015. Collection method: clinical testing. Allele origin: germline.

Labcorp Genetics (formerly Invitae), Labcorp
Classification: Likely benign for Juvenile polyposis syndrome. Last evaluated: 2025-10-07. Review status: criteria provided, single submitter. Criteria: Invitae Variant Classification Sherloc (09022015). Collection method: clinical testing. Allele origin: germline.

Myriad Genetics, Inc.
Classification: Benign for Juvenile polyposis syndrome. Last evaluated: 2024-07-30. Review status: criteria provided, single submitter. Criteria: Myriad Autosomal Dominant, Autosomal Recessive and X-Linked Classification Criteria (2023). Collection method: clinical testing. Allele origin: unknown.
Comment: This variant is considered benign. This variant is a silent/synonymous amino acid change and it is not expected to impact splicing.

Ambry Genetics
Classification: Likely benign for Hereditary cancer-predisposing syndrome. Last evaluated: 2015-12-03. Review status: criteria provided, single submitter. Criteria: Ambry Variant Classification Scheme 2023. Collection method: clinical testing. Allele origin: germline.